The following is an entry in ClinVar:

ClinVar aggregate classification (germline): Uncertain significance (1 of 4 stars; one submission).

Allele frequency attached by ClinVar (database versions not stated): gnomAD exomes 0.00002; TOPMed below 0.00001; gnomAD 0.00001.
gnomAD v4.1: 25 of 1,604,076 alleles (0.0016%); highest among the groups gnomAD compares: Non-Finnish European, 0.002%; no homozygotes.

Submission:

Labcorp Genetics (formerly Invitae), Labcorp
Classification: Uncertain significance. Last evaluated: 2025-10-01. Review status: criteria provided, single submitter. Criteria: Invitae Variant Classification Sherloc (09022015). Collection method: clinical testing. Allele origin: germline.
Comment: This sequence change replaces glycine, which is neutral and non-polar, with glutamic acid, which is acidic and polar, at codon 19 of the ATP5A1 protein (p.Gly19Glu). This variant is present in population databases (rs780817458, gnomAD 0.003%). This variant has not been reported in the literature in individuals affected with ATP5A1-related conditions. ClinVar contains an entry for this variant (Variation ID: 2961562). Experimental studies and prediction algorithms are not available or were not evaluated, and the functional significance of this variant is currently unknown. In summary, the available evidence is currently insufficient to determine the role of this variant in disease. Therefore, it has been classified as a Variant of Uncertain Significance.

NM_004046.6(ATP5F1A):c.56G>A (p.Gly19Glu)

Genes: ATP5F1A (ATP synthase F1 subunit alpha; minus strand), LOC126862738 (BRD4-independent group 4 enhancer GRCh37_chr18:43677662-43678861; plus strand). Cytogenetic location: 18q21.1.
Variant type: single nucleotide variant.
Coding change: c.56G>A on transcript NM_004046.6 (MANE Select); coding-DNA position 56, G replaced by A.
Protein change: p.Gly19Glu; replaces glycine 19 with glutamic acid.
Molecular consequence: missense variant. On other transcripts: 5 prime UTR variant (2).
Genome position (GRCh38, 1-based): chr18:46,098,176, C>T on the plus strand (G>A on the coding strand, the complement: ATP5F1A is on the minus strand). VCF-style: chr18-46098176-C-T. GRCh37 (hg19) VCF-style: chr18-43678142-C-T.
Other names: c.-168G>A (NM_001001935.3); c.56G>A, p.Gly19Glu (NM_001001937.2, NM_001257334.2); c.-431G>A (NM_001257335.2); short protein forms G19E.
Identifiers: ClinVar variation 2961562 (VCV002961562.3), dbSNP rs780817458, ClinGen allele CA8950985.